The following is an entry in ClinVar:

NM_000257.4(MYH7):c.2160G>A (p.Gln720=)

Gene: MYH7 (myosin heavy chain 7; minus strand). Cytogenetic location: 14q11.2.
Variant type: single nucleotide variant.
Coding change: c.2160G>A on transcript NM_000257.4 (MANE Select); coding-DNA position 2160, G replaced by A.
Protein change: p.Gln720=; no amino-acid change (glutamine 720 retained).
Molecular consequence: synonymous variant.
Genome position (GRCh38, 1-based): chr14:23,425,966, C>T on the plus strand (G>A on the coding strand, the complement: MYH7 is on the minus strand). VCF-style: chr14-23425966-C-T. GRCh37 (hg19) VCF-style: chr14-23895175-C-T.
Other names: c.2160G>A, p.Gln720= (NM_001407004.1).
Identifiers: ClinVar variation 2794921 (VCV002794921.4), dbSNP rs730880733, ClinGen allele CA485766798.
Genomic context (GRCh38, chr14:23,425,966, plus strand): 5'-CCATCAGGGCAGCCTGGCTCCCCCTGTTCTATGAGCTCTGGTGCACCCTCATACCCACCT[C>T]TGCCGGAAGTCCCCGTAGAGGATGCGGTTGGGGAAGCCTTTCCTGCAGATGCGGATGCCC-3'
Protein context (NP_000248.2, residues 710-730): PNRILYGDFR[Gln720=]RYRILNPAAI

ClinVar aggregate classification (germline): Likely benign. Review status: criteria provided, multiple submitters, no conflicts (2 of 4 stars). 2 submissions from 2 submitters: Likely benign (2). Last evaluated 2023-10-05.

Conditions:
Hypertrophic cardiomyopathy. Also called: HYPERTROPHIC MYOCARDIOPATHY. Identifiers: Orphanet 217569, MedGen C0007194, MeSH D002312, MONDO:0005045, HP:0001639.
Cardiomyopathy (CMYO). Also called: Cardiomyopathies. Identifiers: Orphanet 167848, MedGen C0878544, MONDO:0004994, HP:0001638. Inheritance: Various modes of inheritance.

Submissions (2):

Labcorp Genetics (formerly Invitae), Labcorp
Classification: Likely benign for Hypertrophic cardiomyopathy. Last evaluated: 2023-10-05. Review status: criteria provided, single submitter. Criteria: Invitae Variant Classification Sherloc (09022015). Collection method: clinical testing. Allele origin: germline.

All of Us Research Program, National Institutes of Health
Classification: Likely benign for Cardiomyopathy. Last evaluated: 2023-04-10. Review status: criteria provided, single submitter. Criteria: ACMG Guidelines, 2015. Collection method: clinical testing. Allele origin: germline. Inheritance: Autosomal dominant inheritance. Observed: 1 variant allele, 1 heterozygote.
Comment: This study involves interpretation of variants in research participants for the purpose of population health screening. Participant phenotype was not available at the time of variant classification. Additional details can be found in publication PMID: 35346344, PMCID: PMC8962531